The following is an entry in ClinVar:

ClinVar aggregate classification (germline): Uncertain significance (1 of 4 stars; one submission).

Conditions:
Lipodystrophy, partial, acquired, susceptibility to (APLD). Also called: APLD, SUSCEPTIBILITY TO. Identifiers: MedGen C3887501, MONDO:0100476, OMIM 608709.
Progressive myoclonic epilepsy type 9. Identifiers: Orphanet 457265, MedGen C4225289, MONDO:0014685, OMIM 616540.

Allele frequency attached by ClinVar (database versions not stated): TOPMed 0.00001; ExAC 0.00002; gnomAD 0.00003; gnomAD exomes 0.00003; ESP Exome Variant Server 0.00008.
gnomAD v4.1: 53 of 1,611,952 alleles (0.0033%); highest among the groups gnomAD compares: Non-Finnish European, 0.0044%; no homozygotes.

Submission:

Labcorp Genetics (formerly Invitae), Labcorp
Classification: Uncertain significance for Progressive myoclonic epilepsy type 9; Lipodystrophy, partial, acquired, susceptibility to. Last evaluated: 2023-03-01. Review status: criteria provided, single submitter. Criteria: Invitae Variant Classification Sherloc (09022015). Collection method: clinical testing. Allele origin: germline.
Comment: In summary, the available evidence is currently insufficient to determine the role of this variant in disease. Therefore, it has been classified as a Variant of Uncertain Significance. Advanced modeling of protein sequence and biophysical properties (such as structural, functional, and spatial information, amino acid conservation, physicochemical variation, residue mobility, and thermodynamic stability) performed at Invitae indicates that this missense variant is not expected to disrupt LMNB2 protein function. This variant has not been reported in the literature in individuals affected with LMNB2-related conditions. This variant is present in population databases (rs368160143, gnomAD 0.002%). This sequence change replaces alanine, which is neutral and non-polar, with threonine, which is neutral and polar, at codon 536 of the LMNB2 protein (p.Ala536Thr).

NM_032737.4(LMNB2):c.1606G>A (p.Ala536Thr)

Gene: LMNB2 (lamin B2; minus strand). Cytogenetic location: 19p13.3.
Variant type: single nucleotide variant.
Coding change: c.1606G>A on transcript NM_032737.4 (MANE Select); coding-DNA position 1606, G replaced by A.
Protein change: p.Ala536Thr; replaces alanine 536 with threonine.
Molecular consequence: missense variant.
Genome position (GRCh38, 1-based): chr19:2,431,887, C>T on the plus strand (G>A on the coding strand, the complement: LMNB2 is on the minus strand). VCF-style: chr19-2431887-C-T. GRCh37 (hg19) VCF-style: chr19-2431885-C-T.
Other names: short protein forms A536T.
Identifiers: ClinVar variation 2924782 (VCV002924782.3), dbSNP rs368160143, ClinGen allele CA9067404.